The following is an entry in ClinVar:

ClinVar aggregate classification (germline): Uncertain significance (1 of 4 stars; one submission).

Conditions:
Hereditary cancer-predisposing syndrome. Also called: Hereditary Cancer Syndrome; Hereditary neoplastic syndrome; Neoplastic Syndromes, Hereditary; Tumor predisposition. Identifiers: Orphanet 140162, MedGen C0027672, MeSH D009386, MONDO:0015356.

Submission:

Ambry Genetics
Classification: Uncertain significance for Hereditary cancer-predisposing syndrome. Last evaluated: 2025-08-19. Review status: criteria provided, single submitter. Criteria: Ambry Variant Classification Scheme 2023. Collection method: clinical testing. Allele origin: germline.
Comment: The p.R90I variant (also known as c.269G>T), located in coding exon 1 of the CDKN1B gene, results from a G to T substitution at nucleotide position 269. The arginine at codon 90 is replaced by isoleucine, an amino acid with similar properties. This amino acid position is conserved. In addition, the in silico prediction for this alteration is inconclusive. Based on the available evidence, the clinical significance of this variant remains unclear.

NM_004064.5(CDKN1B):c.269G>T (p.Arg90Ile)

Gene: CDKN1B (cyclin dependent kinase inhibitor 1B; plus strand). Cytogenetic location: 12p13.1.
Variant type: single nucleotide variant.
Coding change: c.269G>T on transcript NM_004064.5 (MANE Select); coding-DNA position 269, G replaced by T.
Protein change: p.Arg90Ile; replaces arginine 90 with isoleucine.
Molecular consequence: missense variant.
Genome position (GRCh38, 1-based): chr12:12,718,108, G>T. VCF-style: chr12-12718108-G-T. GRCh37 (hg19) VCF-style: chr12-12871042-G-T.
Other names: short protein forms R90I.
Identifiers: ClinVar variation 4224753 (VCV004224753.1).